The following is an entry in ClinVar:

NM_000390.4(CHM):c.19del (p.Ser7fs)

Gene: CHM (CHM Rab escort protein; minus strand). Cytogenetic location: Xq21.2.
Variant type: Deletion.
Coding change: c.19del on transcript NM_000390.4 (MANE Select); coding-DNA position 19, one base deleted (T; older notation c.19delT).
Protein change: p.Ser7fs; shifts the reading frame from serine 7.
Molecular consequence: frameshift variant.
Genome position (GRCh38, 1-based): chrX:86,047,514, A deleted on the plus strand (T on the coding strand, the reverse complement: CHM is on the minus strand); the first of 2 consecutive A bases (chrX:86,047,514-86,047,515); deleting either gives the same sequence. VCF-style (leftmost placement, unchanged base first): chrX-86047513-GA-G. GRCh37 (hg19) VCF-style: chrX-85302517-GA-G.
Other names: c.19del, p.Ser7fs (NM_001145414.4); short protein forms S7fs.
Identifiers: ClinVar variation 2029598 (VCV002029598.4), dbSNP rs2521065589, ClinGen allele CA2580102044.

ClinVar aggregate classification (germline): Pathogenic (1 of 4 stars; one submission).

Submission:

Labcorp Genetics (formerly Invitae), Labcorp
Classification: Pathogenic. Last evaluated: 2023-08-04. Review status: criteria provided, single submitter. Criteria: Invitae Variant Classification Sherloc (09022015). Collection method: clinical testing. Allele origin: germline.
Comment: This variant has not been reported in the literature in individuals affected with CHM-related conditions. This sequence change creates a premature translational stop signal (p.Ser7Argfs*5) in the CHM gene. It is expected to result in an absent or disrupted protein product. Loss-of-function variants in CHM are known to be pathogenic (PMID: 9067750, 23811034). This variant is not present in population databases (gnomAD no frequency). ClinVar contains an entry for this variant (Variation ID: 2029598). For these reasons, this variant has been classified as Pathogenic.

Literature cited by the submitters: PubMed 9067750; PubMed 23811034.